The following is an entry in ClinVar:

NM_024422.6(DSC2):c.2489C>G (p.Thr830Ser)

Gene: DSC2 (desmocollin 2; minus strand). Cytogenetic location: 18q12.1.
Variant type: single nucleotide variant.
Coding change: c.2489C>G on transcript NM_024422.6 (MANE Select); coding-DNA position 2489, C replaced by G.
Protein change: p.Thr830Ser; replaces threonine 830 with serine.
Molecular consequence: missense variant.
Genome position (GRCh38, 1-based): chr18:31,068,913, G>C on the plus strand (C>G on the coding strand, the complement: DSC2 is on the minus strand). VCF-style: chr18-31068913-G-C. GRCh37 (hg19) VCF-style: chr18-28648879-G-C.
Other names: c.2060C>G, p.Thr687Ser (NM_001406506.1, NM_001406507.1); c.2489C>G, p.Thr830Ser (NM_004949.5); short protein forms T830S, T687S.
Identifiers: ClinVar variation 4749414 (VCV004749414.1).

ClinVar aggregate classification (germline): Uncertain significance (1 of 4 stars; one submission).

Conditions:
Arrhythmogenic right ventricular dysplasia 11. Also called: ARRHYTHMOGENIC RIGHT VENTRICULAR DYSPLASIA, FAMILIAL, 11; Arrhythmogenic Right Ventricular Dysplasia/Cardiomyopathy11; Arrhythmogenic right ventricular dysplasia 11 with mild palmoplantar keratoderma and woolly hair. Identifiers: MedGen C1864850, MONDO:0012506, OMIM 610476.

gnomAD v4.1: 1 of 1,613,688 alleles (0.000062%); highest among the groups gnomAD compares: Admixed American, 0.0017%; no homozygotes.

Submission:

Labcorp Genetics (formerly Invitae), Labcorp
Classification: Uncertain significance for Arrhythmogenic right ventricular dysplasia 11. Last evaluated: 2025-12-03. Review status: criteria provided, single submitter. Criteria: Invitae Variant Classification Sherloc (09022015). Collection method: clinical testing. Allele origin: germline.
Comment: This sequence change replaces threonine, which is neutral and polar, with serine, which is neutral and polar, at codon 830 of the DSC2 protein (p.Thr830Ser). This variant is not present in population databases (gnomAD no frequency). This variant has not been reported in the literature in individuals affected with DSC2-related conditions. Invitae Evidence Modeling of protein sequence and biophysical properties (such as structural, functional, and spatial information, amino acid conservation, physicochemical variation, residue mobility, and thermodynamic stability) has been performed for this missense variant. However, the output from this modeling did not meet the statistical confidence thresholds required to predict the impact of this variant on DSC2 protein function. In summary, the available evidence is currently insufficient to determine the role of this variant in disease. Therefore, it has been classified as a Variant of Uncertain Significance.